The following is an entry in ClinVar:

ClinVar aggregate classification (germline): Uncertain significance (1 of 4 stars; one submission).

Conditions:
Alstrom syndrome (ALMS). Identifiers: Orphanet 64, MedGen C0268425, MONDO:0008763, OMIM 203800.

gnomAD v4.1: 3 of 1,613,372 alleles (0.00019%); highest among the groups gnomAD compares: Non-Finnish European, 0.00025%; no homozygotes.

Submission:

ARUP Laboratories, Molecular Genetics and Genomics, ARUP Laboratories
Classification: Uncertain significance for Alstrom syndrome. Last evaluated: 2025-02-25. Review status: criteria provided, single submitter. Criteria: ARUP Molecular Germline Variant Investigation Process 2024. Collection method: clinical testing. Allele origin: germline.
Comment: The ALMS1 c.406G>A; p.Val136Ile variant (rs1187456366), to our knowledge, is not reported in the medical literature or gene specific databases. This variant is only observed on one allele in the Genome Aggregation Database (v2.1.1), indicating it is not a common polymorphism. Computational analyses predict that this variant is neutral (REVEL: 0.035). However, given the lack of clinical and functional data, the significance of this variant is uncertain at this time.

NM_001378454.1(ALMS1):c.406G>A (p.Val136Ile)

Gene: ALMS1 (ALMS1 centrosome and basal body associated protein; plus strand). Cytogenetic location: 2p13.1.
Variant type: single nucleotide variant.
Coding change: c.406G>A on transcript NM_001378454.1 (MANE Select); coding-DNA position 406, G replaced by A.
Protein change: p.Val136Ile; replaces valine 136 with isoleucine.
Molecular consequence: missense variant.
Genome position (GRCh38, 1-based): chr2:73,408,703, G>A. VCF-style: chr2-73408703-G-A. GRCh37 (hg19) VCF-style: chr2-73635831-G-A.
Other names: c.409G>A, p.Val137Ile (NM_015120.4); short protein forms V136I, V137I.
Identifiers: ClinVar variation 4685647 (VCV004685647.1).